The following is an entry in ClinVar:

NM_003334.4(UBA1):c.1115C>T (p.Ala372Val)

Gene: UBA1 (ubiquitin like modifier activating enzyme 1; plus strand). Cytogenetic location: Xp11.3.
Variant type: single nucleotide variant.
Coding change: c.1115C>T on transcript NM_003334.4 (MANE Select); coding-DNA position 1115, C replaced by T.
Protein change: p.Ala372Val; replaces alanine 372 with valine.
Molecular consequence: missense variant.
Genome position (GRCh38, 1-based): chrX:47,202,696, C>T. VCF-style: chrX-47202696-C-T. GRCh37 (hg19) VCF-style: chrX-47062095-C-T.
Other names: c.1115C>T, p.Ala372Val (NM_153280.3); short protein forms A372V.
Identifiers: ClinVar variation 959339 (VCV000959339.9), dbSNP rs782051479, ClinGen allele CA412796133.

ClinVar aggregate classification (germline): Uncertain significance (1 of 4 stars; one submission).

Conditions:
Infantile-onset X-linked spinal muscular atrophy. Also called: Spinal muscular atrophy, X-linked 2; SPINAL MUSCULAR ATROPHY, X-LINKED LETHAL INFANTILE; Spinal Muscular Atrophy, X-Linked Infantile; ARTHROGRYPOSIS, X-LINKED, TYPE I; AMC, DISTAL, X-LINKED. Identifiers: Orphanet 1145, MedGen C1844934, MONDO:0010532, OMIM 301830.

Submission:

Labcorp Genetics (formerly Invitae), Labcorp
Classification: Uncertain significance for Infantile-onset X-linked spinal muscular atrophy. Last evaluated: 2023-05-15. Review status: criteria provided, single submitter. Criteria: Invitae Variant Classification Sherloc (09022015). Collection method: clinical testing. Allele origin: germline.
Comment: This sequence change replaces alanine, which is neutral and non-polar, with valine, which is neutral and non-polar, at codon 372 of the UBA1 protein (p.Ala372Val). ClinVar contains an entry for this variant (Variation ID: 959339). This variant is not present in population databases (gnomAD no frequency). This variant has not been reported in the literature in individuals affected with UBA1-related conditions. An algorithm developed to predict the effect of missense changes on protein structure and function (PolyPhen-2) suggests that this variant is likely to be tolerated. In summary, the available evidence is currently insufficient to determine the role of this variant in disease. Therefore, it has been classified as a Variant of Uncertain Significance.